The following is an entry in ClinVar:

NM_001042492.3(NF1):c.1063-16G>C

Gene: NF1 (neurofibromin 1; plus strand). Cytogenetic location: 17q11.2.
Variant type: single nucleotide variant.
Coding change: c.1063-16G>C on transcript NM_001042492.3 (MANE Select); 16 bases into the intron before coding-DNA position 1063, G replaced by C.
Molecular consequence: intron variant.
Genome position (GRCh38, 1-based): chr17:31,201,021, G>C. VCF-style: chr17-31201021-G-C. GRCh37 (hg19) VCF-style: chr17-29528039-G-C.
Other names: c.1063-16G>C (NM_000267.4, NM_001128147.3).
Identifiers: ClinVar variation 2080896 (VCV002080896.5), dbSNP rs200652866, ClinGen allele CA2580092881.

ClinVar aggregate classification (germline): Likely benign. Review status: criteria provided, multiple submitters, no conflicts (2 of 4 stars). 2 submissions from 2 submitters: Likely benign (2). Last evaluated 2026-05-11.

Conditions:
Neurofibromatosis, type 1 (NF1). Also called: Neurofibromatosis, type I; NEUROFIBROMATOSIS, TYPE I, SOMATIC; Peripheral type neurofibromatosis; VON RECKLINGHAUSEN DISEASE. Identifiers: Orphanet 636, MedGen C0027831, MONDO:0018975, OMIM 162200. Disease mechanism: loss of function.

Submissions (2):

Myriad Genetics, Inc.
Classification: Likely benign for Neurofibromatosis, type 1. Last evaluated: 2026-05-11. Review status: criteria provided, single submitter. Criteria: Myriad Autosomal Dominant, Autosomal Recessive and X-Linked Classification Criteria (2023). Collection method: clinical testing. Allele origin: unknown.
Comment: This variant is considered likely benign. This variant is intronic and is not expected to impact mRNA splicing.

Labcorp Genetics (formerly Invitae), Labcorp
Classification: Likely benign for Neurofibromatosis, type 1. Last evaluated: 2022-08-22. Review status: criteria provided, single submitter. Criteria: Invitae Variant Classification Sherloc (09022015). Collection method: clinical testing. Allele origin: germline.